The following is an entry in ClinVar:

ClinVar aggregate classification (germline): Uncertain significance (1 of 4 stars; one submission).

Submission:

Labcorp Genetics (formerly Invitae), Labcorp
Classification: Uncertain significance. Last evaluated: 2024-11-06. Review status: criteria provided, single submitter. Criteria: Invitae Variant Classification Sherloc (09022015). Collection method: clinical testing. Allele origin: germline.
Comment: This sequence change replaces tyrosine, which is neutral and polar, with cysteine, which is neutral and slightly polar, at codon 759 of the ADGRV1 protein (p.Tyr759Cys). This variant is not present in population databases (gnomAD no frequency). This variant has not been reported in the literature in individuals affected with ADGRV1-related conditions. Invitae Evidence Modeling of protein sequence and biophysical properties (such as structural, functional, and spatial information, amino acid conservation, physicochemical variation, residue mobility, and thermodynamic stability) indicates that this missense variant is not expected to disrupt ADGRV1 protein function with a negative predictive value of 95%. In summary, the available evidence is currently insufficient to determine the role of this variant in disease. Therefore, it has been classified as a Variant of Uncertain Significance.

NM_032119.4(ADGRV1):c.2276A>G (p.Tyr759Cys)

Gene: ADGRV1 (adhesion G protein-coupled receptor V1; plus strand). Cytogenetic location: 5q14.3.
Variant type: single nucleotide variant.
Coding change: c.2276A>G on transcript NM_032119.4 (MANE Select); coding-DNA position 2276, A replaced by G.
Protein change: p.Tyr759Cys; replaces tyrosine 759 with cysteine.
Molecular consequence: missense variant. On other transcripts: non-coding transcript variant (1).
Genome position (GRCh38, 1-based): chr5:90,642,671, A>G. VCF-style: chr5-90642671-A-G. GRCh37 (hg19) VCF-style: chr5-89938488-A-G.
Other names: short protein forms Y759C.
Identifiers: ClinVar variation 3682049 (VCV003682049.2).